The following is an entry in ClinVar:

ClinVar aggregate classification (germline): Uncertain significance (1 of 4 stars; one submission).

Conditions:
Anterior segment dysgenesis. Also called: Ocular anterior segment dysgenesis. Identifiers: Orphanet 88632, MedGen C1862839, MONDO:0019503, HP:0007700.
Congenital primary aphakia. Also called: Anterior segment dysgenesis 2, multiple subtypes; ANTERIOR SEGMENT DYSGENESIS 2. Identifiers: Orphanet 83461, MedGen C1853230, MONDO:0012456, OMIM 610256.

Allele frequency attached by ClinVar (database versions not stated): gnomAD exomes below 0.00001; TOPMed 0.00001.
gnomAD v4.1: 1 of 1,193,468 alleles (0.000084%); highest among the groups gnomAD compares: Non-Finnish European, 0.0001%; no homozygotes.

Submission:

Labcorp Genetics (formerly Invitae), Labcorp
Classification: Uncertain significance for Anterior segment dysgenesis; Congenital primary aphakia. Last evaluated: 2025-11-13. Review status: criteria provided, single submitter. Criteria: Invitae Variant Classification Sherloc (09022015). Collection method: clinical testing. Allele origin: germline.
Comment: This sequence change replaces glycine, which is neutral and non-polar, with arginine, which is basic and polar, at codon 58 of the FOXE3 protein (p.Gly58Arg). The frequency data for this variant in the population databases is considered unreliable, as metrics indicate insufficient coverage at this position in the gnomAD database. This variant has not been reported in the literature in individuals affected with FOXE3-related conditions. ClinVar contains an entry for this variant (Variation ID: 2922963). Invitae Evidence Modeling of protein sequence and biophysical properties (such as structural, functional, and spatial information, amino acid conservation, physicochemical variation, residue mobility, and thermodynamic stability) indicates that this missense variant is not expected to disrupt FOXE3 protein function with a negative predictive value of 80%. In summary, the available evidence is currently insufficient to determine the role of this variant in disease. Therefore, it has been classified as a Variant of Uncertain Significance.

NM_012186.3(FOXE3):c.172G>C (p.Gly58Arg)

Genes: FOXE3 (forkhead box E3; plus strand), LINC01389 (long independently transcribed non-coding RNA 1389; minus strand). Cytogenetic location: 1p33.
Variant type: single nucleotide variant.
Coding change: c.172G>C on transcript NM_012186.3 (MANE Select); coding-DNA position 172, G replaced by C.
Protein change: p.Gly58Arg; replaces glycine 58 with arginine.
Molecular consequence: missense variant.
Genome position (GRCh38, 1-based): chr1:47,416,487, G>C. VCF-style: chr1-47416487-G-C. GRCh37 (hg19) VCF-style: chr1-47882159-G-C.
Other names: short protein forms G58R.
Identifiers: ClinVar variation 2922963 (VCV002922963.3), dbSNP rs1449843921, ClinGen allele CA340249175.
Genomic context (GRCh38, chr1:47,416,487, plus strand): 5'-GGGCGGGAGCCAGAGGAGGCGGCGGCTGGCCGCGGAGAGGCGGCCCCCACGCCCGCGCCC[G>C]GCCCGGGGCGGCGGCGGCGGCGGCCCCTGCAGCGCGGGAAGCCGCCCTACTCGTACATCG-3'
Protein context (NP_036318.1, residues 48-68): RGEAAPTPAP[Gly58Arg]PGRRRRRPLQ